The following is an entry in ClinVar:

ClinVar aggregate classification (germline): Uncertain significance. Review status: criteria provided, multiple submitters, no conflicts (2 of 4 stars). 2 submissions from 2 submitters: Uncertain significance (2). Last evaluated 2024-05-22.

Conditions:
Hereditary cancer-predisposing syndrome. Also called: Hereditary Cancer Syndrome; Hereditary neoplastic syndrome; Neoplastic Syndromes, Hereditary; Tumor predisposition. Identifiers: Orphanet 140162, MedGen C0027672, MeSH D009386, MONDO:0015356.

Submissions (2):

Ambry Genetics
Classification: Uncertain significance for Hereditary cancer-predisposing syndrome. Last evaluated: 2024-05-22. Review status: criteria provided, single submitter. Criteria: Ambry Variant Classification Scheme 2023. Collection method: clinical testing. Allele origin: germline.
Comment: The p.E1599G variant (also known as c.4796A>G), located in coding exon 37 of the POLE gene, results from an A to G substitution at nucleotide position 4796. The glutamic acid at codon 1599 is replaced by glycine, an amino acid with similar properties. This amino acid position is conserved. In addition, this alteration is predicted to be tolerated by in silico analysis. Since supporting evidence is limited at this time, the clinical significance of this alteration remains unclear.

Labcorp Genetics (formerly Invitae), Labcorp
Classification: Uncertain significance. Last evaluated: 2016-06-30. Review status: criteria provided, single submitter. Criteria: Invitae Variant Classification Sherloc (09022015). Collection method: clinical testing. Allele origin: germline.
Comment: This sequence change replaces glutamic acid with glycine at codon 1599 of the POLE protein (p.Glu1599Gly). The glutamic acid residue is weakly conserved and there is a moderate physicochemical difference between glutamic acid and glycine. This variant is not present in population databases (ExAC no frequency) and has not been reported in the literature in individuals with a POLE-related disease. In summary, this variant is a novel missense change that is not predicted to affect protein function. There is no indication that it causes disease, but the available evidence is currently insufficient to prove that conclusively. Therefore, it has been classified as a Variant of Uncertain Significance. Algorithms developed to predict the effect of missense changes on protein structure and function output the following: (SIFT: "Tolerated"; PolyPhen-2: "Benign"; Align-GVGD: "Class C0"). The glycine amino acid residue is also found in multiple mammalian species, suggesting that this missense change does not adversely affect protein function. These predictions have not been confirmed by published functional studies.

NM_006231.4(POLE):c.4796A>G (p.Glu1599Gly)

Gene: POLE (DNA polymerase epsilon, catalytic subunit; minus strand). Cytogenetic location: 12q24.33.
Variant type: single nucleotide variant.
Coding change: c.4796A>G on transcript NM_006231.4 (MANE Select); coding-DNA position 4796, A replaced by G.
Protein change: p.Glu1599Gly; replaces glutamic acid 1599 with glycine.
Molecular consequence: missense variant.
Genome position (GRCh38, 1-based): chr12:132,642,662, T>C on the plus strand (A>G on the coding strand, the complement: POLE is on the minus strand). VCF-style: chr12-132642662-T-C. GRCh37 (hg19) VCF-style: chr12-133219248-T-C.
Other names: short protein forms E1599G.
Identifiers: ClinVar variation 405881 (VCV000405881.12), dbSNP rs762160282, ClinGen allele CA6892708.